The following is an entry in ClinVar:

ClinVar aggregate classification (germline): Pathogenic (1 of 4 stars; one submission).

Submission:

Labcorp Genetics (formerly Invitae), Labcorp
Classification: Pathogenic. Last evaluated: 2025-04-18. Review status: criteria provided, single submitter. Criteria: Invitae Variant Classification Sherloc (09022015). Collection method: clinical testing. Allele origin: germline.
Comment: This sequence change creates a premature translational stop signal (p.Ser7Argfs*45) in the PHEX gene. It is expected to result in an absent or disrupted protein product. Loss-of-function variants in PHEX are known to be pathogenic (PMID: 9097956, 9106524, 19219621). This variant is not present in population databases (gnomAD no frequency). This variant has not been reported in the literature in individuals affected with PHEX-related conditions. For these reasons, this variant has been classified as Pathogenic.

Literature cited by the submitters: PubMed 9097956; PubMed 9106524; PubMed 19219621.

NM_000444.6(PHEX):c.21delinsACTGG (p.Ser7fs)

Gene: PHEX (phosphate regulating endopeptidase X-linked; plus strand). Cytogenetic location: Xp22.11.
Variant type: Indel.
Coding change: c.21delinsACTGG on transcript NM_000444.6 (MANE Select); coding-DNA position 21, C replaced by ACTGG.
Protein change: p.Ser7fs; shifts the reading frame from serine 7.
Molecular consequence: frameshift variant.
Genome position (GRCh38, 1-based): chrX:22,033,026, C replaced by ACTGG. VCF-style: chrX-22033026-C-ACTGG. GRCh37 (hg19) VCF-style: chrX-22051144-C-ACTGG.
Other names: c.21delinsACTGG, p.Ser7fs (NM_001282754.2); short protein forms S7fs.
Identifiers: ClinVar variation 966338 (VCV000966338.5), dbSNP rs1926867009, ClinGen allele CA1139667270.